The following is an entry in ClinVar:

NM_001128159.3(VPS53):c.2396C>T (p.Ser799Leu)

Gene: VPS53 (VPS53 subunit of GARP complex; minus strand). Cytogenetic location: 17p13.3.
Variant type: single nucleotide variant.
Coding change: c.2396C>T on transcript NM_001128159.3 (MANE Select); coding-DNA position 2396, C replaced by T.
Protein change: p.Ser799Leu; replaces serine 799 with leucine.
Molecular consequence: missense variant.
Genome position (GRCh38, 1-based): chr17:519,231, G>A on the plus strand (C>T on the coding strand, the complement: VPS53 is on the minus strand). VCF-style: chr17-519231-G-A. GRCh37 (hg19) VCF-style: chr17-422471-G-A.
Other names: short protein forms S799L.
Identifiers: ClinVar variation 726450 (VCV000726450.9), dbSNP rs573812629, ClinGen allele CA8261140.

ClinVar aggregate classification (germline): Likely benign. Review status: criteria provided, single submitter (1 of 4 stars). 2 submissions from 2 submitters: Likely benign (1). 1 of the submissions does not count toward it. Last evaluated 2026-01-25.

Conditions:
VPS53-related disorder. Also called: VPS53-related condition.

Allele frequency attached by ClinVar (database versions not stated): TOPMed 0.00004; gnomAD 0.00005 and 0.00015; gnomAD exomes 0.00021 and 0.00054; 1000 Genomes Project 30x 0.00078; 1000 Genomes Project 0.00080; ExAC 0.00156.
gnomAD v4.1: 310 of 1,548,954 alleles (0.02%); highest among the groups gnomAD compares: South Asian, 0.32%; 2 homozygotes.

Submissions (2):

Labcorp Genetics (formerly Invitae), Labcorp
Classification: Likely benign. Last evaluated: 2026-01-25. Review status: criteria provided, single submitter. Criteria: Invitae Variant Classification Sherloc (09022015). Collection method: clinical testing. Allele origin: germline.

PreventionGenetics, part of Exact Sciences
Classification: Likely benign for VPS53-related condition. Last evaluated: 2022-03-21. Review status: no assertion criteria provided. Collection method: clinical testing. Allele origin: germline. Not counted in ClinVar's aggregate classification.
Comment: This variant is classified as likely benign based on ACMG/AMP sequence variant interpretation guidelines (Richards et al. 2015 PMID: 25741868, with internal and published modifications).